The following is an entry in ClinVar:

NM_032383.5(HPS3):c.713-2A>T

Gene: HPS3 (HPS3 biogenesis of lysosomal organelles complex 2 subunit 1; plus strand). Cytogenetic location: 3q24.
Variant type: single nucleotide variant.
Coding change: c.713-2A>T on transcript NM_032383.5 (MANE Select); the canonical splice acceptor site of the intron before coding-DNA position 713, A replaced by T.
Molecular consequence: splice acceptor variant.
Genome position (GRCh38, 1-based): chr3:149,141,015, A>T. VCF-style: chr3-149141015-A-T. GRCh37 (hg19) VCF-style: chr3-148858802-A-T.
Other names: c.218-2A>T (NM_001308258.2).
Identifiers: ClinVar variation 1068362 (VCV001068362.7), dbSNP rs2108129745, ClinGen allele CA354912931.

ClinVar aggregate classification (germline): Likely pathogenic (1 of 4 stars; one submission).

Submission:

Labcorp Genetics (formerly Invitae), Labcorp
Classification: Likely pathogenic. Last evaluated: 2020-08-20. Review status: criteria provided, single submitter. Criteria: Invitae Variant Classification Sherloc (09022015). Collection method: clinical testing. Allele origin: germline.
Comment: Donor and acceptor splice site variants typically lead to a loss of protein function (PMID: 16199547), and loss-of-function variants in HPS3 are known to be pathogenic (PMID: 11590544). In summary, the currently available evidence indicates that the variant is pathogenic, but additional data are needed to prove that conclusively. Therefore, this variant has been classified as Likely Pathogenic. This sequence change affects an acceptor splice site in intron 2 of the HPS3 gene. It is expected to disrupt RNA splicing and likely results in an absent or disrupted protein product. This variant is not present in population databases (ExAC no frequency). This variant has not been reported in the literature in individuals with HPS3-related conditions. Algorithms developed to predict the effect of sequence changes on RNA splicing suggest that this variant may disrupt the consensus splice site, but this prediction has not been confirmed by published transcriptional studies.

Literature cited by the submitters: PubMed 16199547; PubMed 11590544.